The following is an entry in ClinVar:

NM_004183.4(BEST1):c.164C>T (p.Thr55Met)

Gene: BEST1 (bestrophin 1; plus strand). Cytogenetic location: 11q12.3.
Variant type: single nucleotide variant.
Coding change: c.164C>T on transcript NM_004183.4 (MANE Select); coding-DNA position 164, C replaced by T.
Protein change: p.Thr55Met; replaces threonine 55 with methionine.
Molecular consequence: missense variant. On other transcripts: 5 prime UTR variant (2), non-coding transcript variant (1).
Genome position (GRCh38, 1-based): chr11:61,955,118, C>T. VCF-style: chr11-61955118-C-T. GRCh37 (hg19) VCF-style: chr11-61722590-C-T.
Other names: c.-17C>T (NM_001139443.3, NM_001300786.2, NM_001300787.2); c.164C>T, p.Thr55Met (NM_001363592.2); short protein forms T55M.
Identifiers: ClinVar variation 1500373 (VCV001500373.6), dbSNP rs756657082, ClinGen allele CA6040707.
Genomic context (GRCh38, chr11:61,955,118, plus strand): 5'-CCATCTCCTCGCTGCGTCCACACAATTCCACCCCCACCCCCACCCCCAGGCTGGCCCTCA[C>T]GGAAGAACAACAGCTGATGTTTGAGAAACTGACTCTGTATTGCGACAGCTACATCCAGCT-3'
Protein context (NP_004174.1, residues 45-65): IIRFIYRLAL[Thr55Met]EEQQLMFEKL

ClinVar aggregate classification (germline): Uncertain significance (1 of 4 stars; one submission).

Allele frequency attached by ClinVar (database versions not stated): gnomAD exomes below 0.00001; TOPMed below 0.00001; ExAC 0.00001.
gnomAD v4.1: 7 of 1,614,126 alleles (0.00043%); highest among the groups gnomAD compares: African/African-American, 0.0013%; no homozygotes.

Submission:

Labcorp Genetics (formerly Invitae), Labcorp
Classification: Uncertain significance. Last evaluated: 2022-12-27. Review status: criteria provided, single submitter. Criteria: Invitae Variant Classification Sherloc (09022015). Collection method: clinical testing. Allele origin: germline.
Comment: In summary, the available evidence is currently insufficient to determine the role of this variant in disease. Therefore, it has been classified as a Variant of Uncertain Significance. Algorithms developed to predict the effect of missense changes on protein structure and function output the following: SIFT: "Deleterious"; PolyPhen-2: "Benign"; Align-GVGD: "Class C0". The methionine amino acid residue is found in multiple mammalian species, which suggests that this missense change does not adversely affect protein function. ClinVar contains an entry for this variant (Variation ID: 1500373). This variant has not been reported in the literature in individuals affected with BEST1-related conditions. This variant is present in population databases (rs756657082, gnomAD 0.007%). This sequence change replaces threonine, which is neutral and polar, with methionine, which is neutral and non-polar, at codon 55 of the BEST1 protein (p.Thr55Met).